The following is an entry in ClinVar:

NM_005592.4(MUSK):c.1719T>C (p.Asn573=)

Gene: MUSK (muscle associated receptor tyrosine kinase; plus strand). Cytogenetic location: 9q31.3.
Variant type: single nucleotide variant.
Coding change: c.1719T>C on transcript NM_005592.4 (MANE Select); coding-DNA position 1719, T replaced by C.
Protein change: p.Asn573=; no amino-acid change (asparagine 573 retained).
Molecular consequence: synonymous variant.
Genome position (GRCh38, 1-based): chr9:110,785,659, T>C. VCF-style: chr9-110785659-T-C. GRCh37 (hg19) VCF-style: chr9-113547939-T-C.
Other names: p.Asn573=; c.1461T>C, p.Asn487= (NM_001166280.2); c.1431T>C, p.Asn477= (NM_001166281.2); c.459T>C, p.Asn153= (NM_001369398.1).
Identifiers: ClinVar variation 259802 (VCV000259802.21), dbSNP rs373118888, ClinGen allele CA5184433.

ClinVar aggregate classification (germline): Conflicting classifications of pathogenicity. Review status: criteria provided, conflicting classifications (1 of 4 stars). 4 submissions from 4 submitters: Uncertain significance (1); Likely benign (3). Last evaluated 2026-01-21.

Conditions:
Congenital myasthenic syndrome 9. Also called: Myasthenic syndrome, congenital, 9, associated with acetylcholine receptor deficiency. Identifiers: Orphanet 590, MedGen C4225368, MONDO:0014587, OMIM 616325.
Fetal akinesia deformation sequence 1 (FADS1). Also called: Pena-Shokeir syndrome type I; Fetal akinesia sequence. Identifiers: Orphanet 994, MedGen C1276035, MONDO:0100101, OMIM 208150, HP:0001989.

Allele frequency attached by ClinVar (database versions not stated): gnomAD exomes 0.00109 and 0.00060; 1000 Genomes Project 30x 0.00016; 1000 Genomes Project 0.00020; ESP Exome Variant Server 0.00050; TOPMed 0.00057; gnomAD 0.00065 and 0.00064; ExAC 0.00062.
gnomAD v4.1: 1,658 of 1,613,058 alleles (0.1%); highest among the groups gnomAD compares: Non-Finnish European, 0.13%; no homozygotes.

Submissions (4):

Labcorp Genetics (formerly Invitae), Labcorp
Classification: Likely benign for Congenital myasthenic syndrome 9; Fetal akinesia deformation sequence 1. Last evaluated: 2026-01-21. Review status: criteria provided, single submitter. Criteria: Invitae Variant Classification Sherloc (09022015). Collection method: clinical testing. Allele origin: germline.

Mayo Clinic Laboratories, Mayo Clinic
Classification: Likely benign. Last evaluated: 2025-04-23. Review status: criteria provided, single submitter. Criteria: ACMG Guidelines, 2015. Collection method: clinical testing. Allele origin: germline. Observed: 1 variant allele.
Comment: BP4, BP7

Illumina Laboratory Services, Illumina
Classification: Uncertain significance for Congenital myasthenic syndrome 9. Last evaluated: 2018-01-13. Review status: criteria provided, single submitter. Criteria: ICSL Variant Classification Criteria 13 December 2019. Collection method: clinical testing. Allele origin: germline.

PreventionGenetics, part of Exact Sciences
Classification: Likely benign. Review status: criteria provided, single submitter. Criteria: ACMG Guidelines, 2015. Collection method: clinical testing. Allele origin: germline.